The following is an entry in ClinVar:

ClinVar aggregate classification (germline): Likely benign (1 of 4 stars; one submission).

gnomAD v4.1: 4 of 1,602,836 alleles (0.00025%); highest among the groups gnomAD compares: Admixed American, 0.0017%; no homozygotes.

Submission:

Women's Health and Genetics/Laboratory Corporation of America, LabCorp
Classification: Likely benign. Last evaluated: 2025-04-25. Review status: criteria provided, single submitter. Criteria: LabCorp Variant Classification Summary - May 2015. Collection method: clinical testing. Allele origin: germline.
Comment: Variant summary: PKD1 c.10098C>T alters a conserved nucleotide resulting in a synonymous change. Consensus agreement among computation tools predict no significant impact on normal splicing. However, these predictions have yet to be confirmed by functional studies. The variant allele was found at a frequency of 4.5e-06 in 222486 control chromosomes. The available data on variant occurrences in the general population are insufficient to allow any conclusion about variant significance. To our knowledge, no occurrence of c.10098C>T in individuals affected with PKD1-Biallelic Autosomal Recessive Polycystic Kidney Disease and no experimental evidence demonstrating its impact on protein function have been reported. No submitters have cited clinical-significance assessments for this variant to ClinVar. Based on the evidence outlined above, the variant was classified as likely benign.

NM_001009944.3(PKD1):c.10098C>T (p.Asp3366=)

Gene: PKD1 (polycystin 1, transient receptor potential channel interacting; minus strand). Cytogenetic location: 16p13.3.
Variant type: single nucleotide variant.
Coding change: c.10098C>T on transcript NM_001009944.3 (MANE Select); coding-DNA position 10098, C replaced by T.
Protein change: p.Asp3366=; no amino-acid change (aspartic acid 3366 retained).
Molecular consequence: synonymous variant.
Genome position (GRCh38, 1-based): chr16:2,097,937, G>A on the plus strand (C>T on the coding strand, the complement: PKD1 is on the minus strand). VCF-style: chr16-2097937-G-A. GRCh37 (hg19) VCF-style: chr16-2147938-G-A.
Other names: c.10098C>T, p.Asp3366= (NM_000296.4).
Identifiers: ClinVar variation 3896622 (VCV003896622.2).